The following is an entry in ClinVar:

ClinVar aggregate classification (germline): Pathogenic/Likely pathogenic. Review status: no assertion criteria provided (0 of 4 stars). 2 submissions from 2 submitters: Pathogenic (1); Likely pathogenic (1). Last evaluated 2020-02-28.

Conditions:
Fanconi anemia complementation group A (FANCA). Also called: Fanconi anemia, group A; FANCA-Related Fanconi Anemia. Identifiers: Orphanet 84, MedGen C3469521, MONDO:0009215, OMIM 227650.

Allele frequency attached by ClinVar (database versions not stated): gnomAD exomes below 0.00001 and 0.00001; ExAC 0.00001.
gnomAD v4.1: 4 of 1,614,066 alleles (0.00025%); highest among the groups gnomAD compares: South Asian, 0.0022%; no homozygotes.

Submissions (2):

Leiden Open Variation Database
Classification: Pathogenic for Fanconi anemia complementation group A. Last evaluated: 2020-02-28. Review status: no assertion criteria provided. Collection method: curation. Allele origin: germline. Affected: yes.
Comment: Curator: Arleen D. Auerbach. Submitters to LOVD: Arleen D. Auerbach, Johan de Winter.

Counsyl
Classification: Likely pathogenic for Fanconi anemia complementation group A. Last evaluated: 2018-02-15. Review status: no assertion criteria provided. Collection method: clinical testing. Allele origin: unknown.

Literature cited by the submitters: PubMed 17924555 (cited by Leiden Open Variation Database and Counsyl); PubMed 24584348 (cited by Counsyl); PubMed 15643609 (cited by Counsyl); PubMed 21659346 (cited by Counsyl).

NM_000135.4(FANCA):c.2051T>C (p.Leu684Pro)

Gene: FANCA (FA complementation group A; minus strand). Cytogenetic location: 16q24.3.
Variant type: single nucleotide variant.
Coding change: c.2051T>C on transcript NM_000135.4 (MANE Select); coding-DNA position 2051, T replaced by C.
Protein change: p.Leu684Pro; replaces leucine 684 with proline.
Molecular consequence: missense variant.
Genome position (GRCh38, 1-based): chr16:89,771,778, A>G on the plus strand (T>C on the coding strand, the complement: FANCA is on the minus strand). VCF-style: chr16-89771778-A-G. GRCh37 (hg19) VCF-style: chr16-89838186-A-G.
Other names: c.2051T>C (LRG_495t1); c.2051T>C, p.Leu684Pro (NM_001286167.3); short protein forms L684P.
Identifiers: ClinVar variation 556739 (VCV000556739.4), dbSNP rs762526878, ClinGen allele CA8251924.